The following is an entry in ClinVar:

NM_002769.5(PRSS1):c.640G>T (p.Val214Phe)

Genes: TRB (T cell receptor beta locus; plus strand), PRSS1 (serine protease 1; plus strand). Cytogenetic location: 7q34.
Variant type: single nucleotide variant.
Coding change: c.640G>T on transcript NM_002769.5 (MANE Select); coding-DNA position 640, G replaced by T.
Protein change: p.Val214Phe; replaces valine 214 with phenylalanine.
Molecular consequence: missense variant. On other transcripts: non-coding transcript variant (5).
Genome position (GRCh38, 1-based): chr7:142,752,916, G>T. VCF-style: chr7-142752916-G-T. GRCh37 (hg19) VCF-style: chr7-142460767-G-T.
Other names: short protein forms V214F.
Identifiers: ClinVar variation 1753379 (VCV001753379.2), dbSNP rs2485768837, ClinGen allele CA369610661.

ClinVar aggregate classification (germline): Uncertain significance (1 of 4 stars; one submission).

Conditions:
Hereditary pancreatitis (PCTT). Also called: Hereditary chronic pancreatitis; PRSS1-Related Hereditary Pancreatitis. Identifiers: Orphanet 676, MedGen C0238339, MONDO:0008185, OMIM 167800.

Submission:

Ambry Genetics
Classification: Uncertain significance for Hereditary pancreatitis. Last evaluated: 2022-07-05. Review status: criteria provided, single submitter. Criteria: Ambry Variant Classification Scheme 2023. Collection method: clinical testing. Allele origin: germline.
Comment: The p.V214F variant (also known as c.640G>T), located in coding exon 5 of the PRSS1 gene, results from a G to T substitution at nucleotide position 640. The valine at codon 214 is replaced by phenylalanine, an amino acid with highly similar properties. This amino acid position is conserved. In addition, this alteration is predicted to be deleterious by in silico analysis. Since supporting evidence is limited at this time, the clinical significance of this alteration remains unclear.